The following is an entry in ClinVar:

ClinVar aggregate classification (germline): Uncertain significance (0 of 4 stars; one submission).

Submission:

Greenwood Genetic Center Diagnostic Laboratories, Greenwood Genetic Center
Classification: Uncertain significance. Last evaluated: 2021-12-28. Review status: no assertion criteria provided. Collection method: clinical testing. Allele origin: germline. Affected: yes.
Comment: Gene of uncertain significance

NM_001386094.1(AGBL1):c.1298dup (p.Asn433fs)

Gene: AGBL1 (AGBL carboxypeptidase 1; plus strand). Cytogenetic location: 15q25.3.
Variant type: Duplication.
Coding change: c.1298dup on transcript NM_001386094.1 (MANE Select); coding-DNA position 1298, one base duplicated (A; older notation c.1298dupA).
Protein change: p.Asn433fs; shifts the reading frame from asparagine 433.
Molecular consequence: frameshift variant.
Genome position (GRCh38, 1-based): chr15:86,264,469, A duplicated; the last of 8 consecutive A bases (chr15:86,264,462-86,264,469); duplicating any one gives the same sequence. VCF-style (leftmost placement, unchanged base first): chr15-86264461-C-CA. GRCh37 (hg19) VCF-style: chr15-86807692-C-CA.
Other names: c.1298dup, p.Asn433fs (NM_152336.4); short protein forms N433fs.
Identifiers: ClinVar variation 1334731 (VCV001334731.4), dbSNP rs760873048, ClinGen allele CA7715692.